The following is an entry in ClinVar:

NM_004655.4(AXIN2):c.2373T>G (p.Phe791Leu)

Gene: AXIN2 (axin 2; minus strand). Cytogenetic location: 17q24.1.
Variant type: single nucleotide variant.
Coding change: c.2373T>G on transcript NM_004655.4 (MANE Select); coding-DNA position 2373, T replaced by G.
Protein change: p.Phe791Leu; replaces phenylalanine 791 with leucine.
Molecular consequence: missense variant.
Genome position (GRCh38, 1-based): chr17:65,533,944, A>C on the plus strand (T>G on the coding strand, the complement: AXIN2 is on the minus strand). VCF-style: chr17-65533944-A-C. GRCh37 (hg19) VCF-style: chr17-63530062-A-C.
Other names: c.2178T>G, p.Phe726Leu (NM_001363813.1); short protein forms F791L, F726L.
Identifiers: ClinVar variation 1958567 (VCV001958567.5), dbSNP rs2043865412, ClinGen allele CA400675389.
Genomic context (GRCh38, chr17:65,533,944, plus strand): 5'-GAGCAGAAAAAAGCCACAGGACTCTTACCTATAATTTCCCTTTTTGCTGAGCTGCTCTTT[A>C]AAGTGGCCCAGGGTCAAGCTCTGAGCCTTCAGCATCCTCCGGTATGGAATTTCTTCCCCA-3'
Protein context (NP_004646.3, residues 781-801): LKAQSLTLGH[Phe791Leu]KEQLSKKGNY

ClinVar aggregate classification (germline): Uncertain significance (1 of 4 stars; one submission).

Conditions:
Oligodontia-cancer predisposition syndrome. Also called: TOOTH AGENESIS-COLORECTAL CANCER SYNDROME. Identifiers: Orphanet 300576, MedGen C1837750, MONDO:0012075, OMIM 608615. Disease mechanism: loss of function.

Submission:

Labcorp Genetics (formerly Invitae), Labcorp
Classification: Uncertain significance for Oligodontia-cancer predisposition syndrome. Last evaluated: 2024-05-07. Review status: criteria provided, single submitter. Criteria: Invitae Variant Classification Sherloc (09022015). Collection method: clinical testing. Allele origin: germline.
Comment: This sequence change replaces phenylalanine, which is neutral and non-polar, with leucine, which is neutral and non-polar, at codon 791 of the AXIN2 protein (p.Phe791Leu). This variant is not present in population databases (gnomAD no frequency). This variant has not been reported in the literature in individuals affected with AXIN2-related conditions. ClinVar contains an entry for this variant (Variation ID: 1958567). Advanced modeling of protein sequence and biophysical properties (such as structural, functional, and spatial information, amino acid conservation, physicochemical variation, residue mobility, and thermodynamic stability) performed at Invitae indicates that this missense variant is expected to disrupt AXIN2 protein function with a positive predictive value of 80%. In summary, the available evidence is currently insufficient to determine the role of this variant in disease. Therefore, it has been classified as a Variant of Uncertain Significance.